The following is an entry in ClinVar:

NM_025003.5(ADAMTS20):c.1958G>A (p.Arg653His)

Gene: ADAMTS20 (ADAM metallopeptidase with thrombospondin type 1 motif 20; minus strand). Cytogenetic location: 12q12.
Variant type: single nucleotide variant.
Coding change: c.1958G>A on transcript NM_025003.5 (MANE Select); coding-DNA position 1958, G replaced by A.
Protein change: p.Arg653His; replaces arginine 653 with histidine.
Molecular consequence: missense variant.
Genome position (GRCh38, 1-based): chr12:43,452,395, C>T on the plus strand (G>A on the coding strand, the complement: ADAMTS20 is on the minus strand). VCF-style: chr12-43452395-C-T. GRCh37 (hg19) VCF-style: chr12-43846198-C-T.
Other names: short protein forms R653H.
Identifiers: ClinVar variation 4977057 (VCV004977057.1).
Genomic context (GRCh38, chr12:43,452,395, plus strand): 5'-ACCATATCCTTCAATAGGTAGAAATAATTGGTTCCAGCAACCTGACAATAGAGTTTACAA[C>T]GATCCTTTGTGCCAACTGTAAAAAAGAAAAAGGTCAAATTTTTAATGTATAATAATAAAG-3'
Protein context (NP_079279.3, residues 643-663): PRYSGIGTKD[Arg653His]CKLYCQVAGT

ClinVar aggregate classification (germline): Likely benign (1 of 4 stars; one submission).

Conditions:
ADAMTS20-related condition.

gnomAD v4.1: 151 of 1,611,910 alleles (0.0094%); highest among the groups gnomAD compares: East Asian, 0.12%; no homozygotes.

Submission:

PreventionGenetics, part of Exact Sciences
Classification: Likely benign for ADAMTS20-related condition. Last evaluated: 2025-02-23. Review status: criteria provided, single submitter. Criteria: ACMG Guidelines, 2015. Collection method: clinical testing. Allele origin: germline.
Comment: This variant is classified as likely benign based on ACMG/AMP sequence variant interpretation guidelines (Richards et al. 2015 PMID: 25741868, with internal and published modifications).